The following is an entry in ClinVar:

ClinVar aggregate classification (germline): Likely benign (1 of 4 stars; one submission).

Conditions:
Hereditary breast ovarian cancer syndrome. Also called: Hereditary breast and ovarian cancer; Hereditary breast and ovarian cancer syndrome (HBOC); Breast and ovarian cancer; BRCA1- and BRCA2-Associated Hereditary Breast and Ovarian Cancer; Hereditary breast and/or ovarian cancer syndrome; Hereditary breast and ovarian cancer syndrome. Identifiers: Orphanet 145, MedGen C0677776, MeSH D061325, MONDO:0003582. Disease mechanism: loss of function.

Submission:

Institute for Biomarker Research, Medical Diagnostic Laboratories, L.L.C.
Classification: Likely benign for Hereditary breast ovarian cancer syndrome. Last evaluated: 2026-03-23. Review status: criteria provided, single submitter. Criteria: ACMG Guidelines, 2015. Collection method: clinical testing. Allele origin: germline.
Comment: The synonymous variant NM_002878.4(RAD51D):c.927A>G (p.Val309=) has not been reported previously as a pathogenic variant nor as a benign variant, to our knowledge. The p.Val309= variant is novel (not in any individuals) in gnomAD. The p.Val309= variant is novel (not in any individuals) in 1kG. The p.Val309= variant is not predicted to disrupt an existing splice site. The p.Val309= variant results in a substitution of a base that is not predicted conserved by GERP++ and PhyloP. For these reasons, this variant has been classified as Likely Benign.

NM_002878.4(RAD51D):c.927A>G (p.Val309=)

Genes: RAD51D (RAD51 paralog D; minus strand), RAD51L3-RFFL (RAD51L3-RFFL readthrough; minus strand). Cytogenetic location: 17q12.
Variant type: single nucleotide variant.
Coding change: c.927A>G on transcript NM_002878.4 (MANE Select); coding-DNA position 927, A replaced by G.
Protein change: p.Val309=; no amino-acid change (valine 309 retained).
Molecular consequence: synonymous variant. On other transcripts: non-coding transcript variant (2).
Genome position (GRCh38, 1-based): chr17:35,101,013, T>C on the plus strand (A>G on the coding strand, the complement: RAD51D is on the minus strand). VCF-style: chr17-35101013-T-C. GRCh37 (hg19) VCF-style: chr17-33428032-T-C.
Other names: c.987A>G, p.Val329= (NM_001142571.2); c.591A>G, p.Val197= (NM_133629.3).
Identifiers: ClinVar variation 4879475 (VCV004879475.1).